The following is an entry in ClinVar:

ClinVar aggregate classification (germline): Uncertain significance (1 of 4 stars; one submission).

Submission:

Women's Health and Genetics/Laboratory Corporation of America, LabCorp
Classification: Uncertain significance. Last evaluated: 2024-04-05. Review status: criteria provided, single submitter. Criteria: LabCorp Variant Classification Summary - May 2015. Collection method: clinical testing. Allele origin: germline.
Comment: Variant summary: GALNS c.785A>T (p.Asp262Val) results in a non-conservative amino acid change located in the Sulfatase, N-terminal (IPR035626) of the encoded protein sequence. Five of five in-silico tools predict a damaging effect of the variant on protein function. The variant was absent in 250336 control chromosomes. The available data on variant occurrences in the general population are insufficient to allow any conclusion about variant significance. c.785A>T has been reported in the literature in individuals affected with Mucopolysaccharidosis Type IVA (Morquio Syndrome A) (Yi_2022). These report(s) do not provide unequivocal conclusions about association of the variant with Mucopolysaccharidosis Type IVA (Morquio Syndrome A). To our knowledge, no experimental evidence demonstrating an impact on protein function has been reported. The following publication have been ascertained in the context of this evaluation (PMID: 35212421). No submitters have cited clinical-significance assessments for this variant to ClinVar. Based on the evidence outlined above, the variant was classified as uncertain significance.

Literature cited by the submitters: PubMed 35212421.

NM_000512.5(GALNS):c.785A>T (p.Asp262Val)

Gene: GALNS (galactosamine (N-acetyl)-6-sulfatase; minus strand). Cytogenetic location: 16q24.3.
Variant type: single nucleotide variant.
Coding change: c.785A>T on transcript NM_000512.5 (MANE Select); coding-DNA position 785, A replaced by T.
Protein change: p.Asp262Val; replaces aspartic acid 262 with valine.
Molecular consequence: missense variant.
Genome position (GRCh38, 1-based): chr16:88,835,326, T>A on the plus strand (A>T on the coding strand, the complement: GALNS is on the minus strand). VCF-style: chr16-88835326-T-A. GRCh37 (hg19) VCF-style: chr16-88901734-T-A.
Other names: c.230A>T, p.Asp77Val (NM_001323543.2); c.803A>T, p.Asp268Val (NM_001323544.2); short protein forms D262V, D268V, D77V.
Identifiers: ClinVar variation 3251509 (VCV003251509.1), dbSNP rs2543531571.
Genomic context (GRCh38, chr16:88,835,326, plus strand): 5'-AAGGTGTTGTCCGCGACGTGCAGGTCTTGGAGGAGCTCCAGTATCTTCCCAATGCTGTCA[T>A]CAATCTCCCGGACGGCGTCTCCATACCTGCAGGATGGTGACAAAAGGCATCTCCATACCT-3'
Protein context (NP_000503.1, residues 252-272): GRYGDAVREI[Asp262Val]DSIGKILELL